The following is an entry in ClinVar:

NM_144691.4(CAPN12):c.1263G>A (p.Thr421=)

Gene: CAPN12 (calpain 12; minus strand). Cytogenetic location: 19q13.2.
Variant type: single nucleotide variant.
Coding change: c.1263G>A on transcript NM_144691.4 (MANE Select); coding-DNA position 1263, G replaced by A.
Protein change: p.Thr421=; no amino-acid change (threonine 421 retained).
Molecular consequence: synonymous variant.
Genome position (GRCh38, 1-based): chr19:38,737,255, C>T on the plus strand (G>A on the coding strand, the complement: CAPN12 is on the minus strand). VCF-style: chr19-38737255-C-T. GRCh37 (hg19) VCF-style: chr19-39227895-C-T.
Identifiers: ClinVar variation 1293782 (VCV001293782.5), dbSNP rs78574604, ClinGen allele CA9418829.
Genomic context (GRCh38, chr19:38,737,255, plus strand): 5'-CTTGGCTCTCAGGCGCCGCCGGTTGCGCTGGATGAGGGACAGAAGGACCGTGCACTTGGG[C>T]GTGCGGCCCCCCCGCGCTGGGCCCCGTGCCCCTGCAGCCCCCCAGCCCCCCCAGGGCCCT-3'
Protein context (NP_653292.2, residues 411-431): GARGPARGGR[Thr421=]PKCTVLLSLI

ClinVar aggregate classification (germline): Benign. Review status: criteria provided, multiple submitters, no conflicts (2 of 4 stars). 3 submissions from 3 submitters: Benign (2). 1 of the submissions does not count toward it. Last evaluated 2018-07-09.

Conditions:
CAPN12-related disorder. Also called: CAPN12-related condition.

Allele frequency attached by ClinVar (database versions not stated): gnomAD 0.00230 and 0.00335; gnomAD exomes 0.00266 and 0.00825; TOPMed 0.00409; ExAC 0.00663; 1000 Genomes Project 30x 0.02061; 1000 Genomes Project 0.02256.
gnomAD v4.1: 4,315 of 1,550,230 alleles (0.28%); highest among the groups gnomAD compares: East Asian, 9.4%; 179 homozygotes.

Submissions (3):

GeneDx
Classification: Benign. Last evaluated: 2018-07-09. Review status: criteria provided, single submitter. Criteria: GeneDx Variant Classification Process June 2021. Collection method: clinical testing. Allele origin: germline. Affected: yes.

Breakthrough Genomics
Classification: Benign. Review status: criteria provided, single submitter. Criteria: ACMG Guidelines, 2015. Collection method: not provided. Allele origin: germline. Inheritance: Unknown mechanism. Affected: yes.

PreventionGenetics, part of Exact Sciences
Classification: Benign for CAPN12-related condition. Last evaluated: 2019-09-30. Review status: no assertion criteria provided. Collection method: clinical testing. Allele origin: germline. Not counted in ClinVar's aggregate classification.
Comment: This variant is classified as benign based on ACMG/AMP sequence variant interpretation guidelines (Richards et al. 2015 PMID: 25741868, with internal and published modifications).